The following is an entry in ClinVar:

ClinVar aggregate classification (germline): Uncertain significance. Review status: criteria provided, multiple submitters, no conflicts (2 of 4 stars). 2 submissions from 2 submitters: Uncertain significance (2). Last evaluated 2024-07-12.

Conditions:
Familial cold autoinflammatory syndrome 1 (FCAS1). Also called: Familial cold inflammatory syndrome 1; CRYOPYRIN-ASSOCIATED PERIODIC SYNDROME 1. Identifiers: Orphanet 47045, MedGen C4551895, MONDO:0007349, OMIM 120100.
Familial amyloid nephropathy with urticaria AND deafness (MWS). Also called: Urticaria, deafness and amyloidosis; CRYOPYRIN-ASSOCIATED PERIODIC SYNDROME 2; UDA SYNDROME; URTICARIA-DEAFNESS-AMYLOIDOSIS SYNDROME; MUCKLE-WELLS SYNDROME. Identifiers: Orphanet 575, MedGen C0268390, MONDO:0008633, OMIM 191900.
Chronic infantile neurological, cutaneous and articular syndrome (CINCA). Also called: Prieur Griscelli syndrome; CRYOPYRIN-ASSOCIATED PERIODIC SYNDROME 3; CINCA syndrome; CHRONIC NEUROLOGIC CUTANEOUS AND ARTICULAR SYNDROME. Identifiers: Orphanet 1451, MedGen C0409818, MONDO:0011776, OMIM 607115.
Keratitis fugax hereditaria. Also called: KERATOENDOTHELIITIS FUGAX HEREDITARIA. Identifiers: Orphanet 647815, MedGen C1835697, MONDO:0007849, OMIM 148200.
Hearing loss, autosomal dominant 34, with or without inflammation. Also called: DEAFNESS, AUTOSOMAL DOMINANT 34, WITH OR WITHOUT INFLAMMATION. Identifiers: MedGen C4521680, MONDO:0033261, OMIM 617772.
Cryopyrin associated periodic syndrome (CAPS). Identifiers: Orphanet 208650, MedGen C2316212, MONDO:0016168.

gnomAD v4.1: 6 of 1,614,114 alleles (0.00037%); highest among the groups gnomAD compares: East Asian, 0.0022%; no homozygotes.

Submissions (2):

Labcorp Genetics (formerly Invitae), Labcorp
Classification: Uncertain significance for Cryopyrin associated periodic syndrome. Last evaluated: 2024-07-12. Review status: criteria provided, single submitter. Criteria: Invitae Variant Classification Sherloc (09022015). Collection method: clinical testing. Allele origin: germline.
Comment: This sequence change creates a premature translational stop signal (p.Arg972*) in the NLRP3 gene. It is expected to result in an absent or disrupted protein product. However, the current clinical and genetic evidence is not sufficient to establish whether loss-of-function variants in NLRP3 cause disease. This variant is not present in population databases (gnomAD no frequency). This variant has not been reported in the literature in individuals affected with NLRP3-related conditions. ClinVar contains an entry for this variant (Variation ID: 651300). In summary, the available evidence is currently insufficient to determine the role of this variant in disease. Therefore, it has been classified as a Variant of Uncertain Significance.

Fulgent Genetics
Classification: Uncertain significance for Familial cold autoinflammatory syndrome 1; Keratitis fugax hereditaria; Familial amyloid nephropathy with urticaria AND deafness; Chronic infantile neurological, cutaneous and articular syndrome; Hearing loss, autosomal dominant 34, with or without inflammation. Last evaluated: 2021-07-06. Review status: criteria provided, single submitter. Criteria: ACMG Guidelines, 2015. Collection method: clinical testing. Allele origin: unknown.

NM_001243133.2(NLRP3):c.2908C>T (p.Arg970Ter)

Gene: NLRP3 (NLR family pyrin domain containing 3; plus strand). Cytogenetic location: 1q44.
Variant type: single nucleotide variant.
Coding change: c.2908C>T on transcript NM_001243133.2 (MANE Select); coding-DNA position 2908, C replaced by T.
Protein change: p.Arg970Ter; replaces arginine 970 with a stop codon.
Molecular consequence: nonsense.
Genome position (GRCh38, 1-based): chr1:247,444,724, C>T. VCF-style: chr1-247444724-C-T. GRCh37 (hg19) VCF-style: chr1-247608026-C-T.
Other names: c.2908C>T, p.Arg970Ter (NM_001079821.3); c.2737C>T, p.Arg913Ter (NM_001127461.3, NM_001127462.3); c.2914C>T, p.Arg972Ter (NM_004895.5); c.2566C>T, p.Arg856Ter (NM_183395.3); short protein forms R972*, R970*, R856*, R913*.
Identifiers: ClinVar variation 651300 (VCV000651300.8), dbSNP rs1450171900, ClinGen allele CA345565637.